The following is an entry in ClinVar:

NM_152415.3(VPS37A):c.416+17T>C

Gene: VPS37A (VPS37A subunit of ESCRT-I; plus strand). Cytogenetic location: 8p22.
Variant type: single nucleotide variant.
Coding change: c.416+17T>C on transcript NM_152415.3 (MANE Select); 17 bases into the intron after coding-DNA position 416, T replaced by C.
Molecular consequence: intron variant.
Genome position (GRCh38, 1-based): chr8:17,268,973, T>C. VCF-style: chr8-17268973-T-C. GRCh37 (hg19) VCF-style: chr8-17126482-T-C.
Other names: c.146+17T>C (NM_001363172.2, NM_001363168.1, NM_001363170.1 and 2 more transcripts); c.416+17T>C (NM_001363173.2, NM_001363167.1); c.341+17T>C (NM_001145152.2).
Identifiers: ClinVar variation 507247 (VCV000507247.5), dbSNP rs375167006, ClinGen allele CA4643288.

ClinVar aggregate classification (germline): Likely benign. Review status: criteria provided, multiple submitters, no conflicts (2 of 4 stars). 2 submissions from 2 submitters: Likely benign (2). Last evaluated 2026-01-07.

Conditions:
Hereditary spastic paraplegia 53. Also called: Spastic paraplegia 53, autosomal recessive. Identifiers: Orphanet 319199, MedGen C3539494, MONDO:0013962, OMIM 614898.

Allele frequency attached by ClinVar (database versions not stated): gnomAD 0.00014; gnomAD exomes 0.00015; TOPMed 0.00015; ExAC 0.00017; ESP Exome Variant Server 0.00054.
gnomAD v4.1: 273 of 1,530,524 alleles (0.018%); highest among the groups gnomAD compares: Middle Eastern, 0.034%; no homozygotes.

Submissions (2):

Labcorp Genetics (formerly Invitae), Labcorp
Classification: Likely benign for Hereditary spastic paraplegia 53. Last evaluated: 2026-01-07. Review status: criteria provided, single submitter. Criteria: Invitae Variant Classification Sherloc (09022015). Collection method: clinical testing. Allele origin: germline.

GeneDx
Classification: Likely benign. Last evaluated: 2017-02-09. Review status: criteria provided, single submitter. Criteria: GeneDx Variant Classification (06012015). Collection method: clinical testing. Allele origin: germline. Affected: yes.
Comment: This variant is considered likely benign or benign based on one or more of the following criteria: it is a conservative change, it occurs at a poorly conserved position in the protein, it is predicted to be benign by multiple in silico algorithms, and/or has population frequency not consistent with disease.